The following is an entry in ClinVar:

ClinVar aggregate classification (germline): Uncertain significance. Review status: criteria provided, multiple submitters, no conflicts (2 of 4 stars). 7 submissions from 7 submitters: Uncertain significance (7). Last evaluated 2026-10-20.

Conditions:
Cardiovascular phenotype. Identifiers: MedGen CN230736.
Hereditary cancer-predisposing syndrome. Also called: Tumor predisposition; Neoplastic Syndromes, Hereditary; Hereditary Cancer Syndrome; Hereditary neoplastic syndrome. Identifiers: Orphanet 140162, MedGen C0027672, MeSH D009386, MONDO:0015356.
Noonan syndrome and Noonan-related syndrome. Identifiers: Orphanet 98733, MedGen C5681679, MONDO:0020297.
LZTR1-related schwannomatosis. Also called: Schwannomatosis-2, susceptibility to; Schwannomatosis 2. Identifiers: Orphanet 93921, MedGen C3810283, MONDO:0014299, OMIM 615670.

Allele frequency attached by ClinVar (database versions not stated): ExAC 0.00002; gnomAD 0.00002; TOPMed 0.00003; gnomAD exomes 0.00002.

Submissions (7):

GeneDx
Classification: Uncertain significance. Last evaluated: 2026-10-20. Review status: criteria provided, single submitter. Criteria: GeneDx Variant Classification Process June 2021. Collection method: clinical testing. Allele origin: germline.
Comment: Observed in a cohort of patients with schwannomatosis (PMID: 30442762); Identified with a second variant, phase unknown, in a patient with hypertrophic cardiomyopathy in published literature (PMID: 38135892); Reported in individuals from large cohorts with congenital heart disease (PMID: 40127276) and neurodevelopmental disorders (PMID: 35982159, 33057194); however, patient-specific clinical information was limited and some individuals had additional variants in other genes; Not observed at significant frequency in large population cohorts (gnomAD); In silico analysis supports that this missense variant has a deleterious effect on protein structure/function; This variant is associated with the following publications: (PMID: 33792302, 34113392, 35982159, 30442762, 38135892, 33057194, 40127276)

Labcorp Genetics (formerly Invitae), Labcorp
Classification: Uncertain significance. Last evaluated: 2026-02-02. Review status: criteria provided, single submitter. Criteria: Invitae Variant Classification Sherloc (09022015). Collection method: clinical testing. Allele origin: germline.
Comment: This sequence change replaces proline, which is neutral and non-polar, with leucine, which is neutral and non-polar, at codon 115 of the LZTR1 protein (p.Pro115Leu). This variant is present in population databases (rs756852884, gnomAD 0.007%). This missense change has been observed in individual(s) with schwannomatosis (PMID: 30442762). ClinVar contains an entry for this variant (Variation ID: 372993). Invitae Evidence Modeling of protein sequence and biophysical properties (such as structural, functional, and spatial information, amino acid conservation, physicochemical variation, residue mobility, and thermodynamic stability) indicates that this missense variant is not expected to disrupt LZTR1 protein function with a negative predictive value of 80%. In summary, the available evidence is currently insufficient to determine the role of this variant in disease. Therefore, it has been classified as a Variant of Uncertain Significance.

Ambry Genetics
Classification: Uncertain significance for Cardiovascular phenotype; Hereditary cancer-predisposing syndrome. Last evaluated: 2025-09-02. Review status: criteria provided, single submitter. Criteria: Ambry Variant Classification Scheme 2023. Collection method: clinical testing. Allele origin: germline.
Comment: The p.P115L variant (also known as c.344C>T), located in coding exon 4 of the LZTR1 gene, results from a C to T substitution at nucleotide position 344. The proline at codon 115 is replaced by leucine, an amino acid with similar properties. This alteration was identified in a cohort of individuals diagnosed with schwannomatosis (Steklov M et al. Science 2018 12;362(6419):1177-1182). This variant was reported in individual(s) with features consistent with LZTR1-related Noonan syndrome in at least one individual (Di Stolfo G et al. Am J Med Genet A, 2024 May;194:e63518). This amino acid position is highly conserved in available vertebrate species. In addition, this alteration is predicted to be deleterious by in silico analysis. Based on the available evidence, the clinical significance of this variant remains unclear.

Women's Health and Genetics/Laboratory Corporation of America, LabCorp
Classification: Uncertain significance. Last evaluated: 2025-02-25. Review status: criteria provided, single submitter. Criteria: LabCorp Variant Classification Summary - May 2015. Collection method: clinical testing. Allele origin: germline.
Comment: Variant summary: LZTR1 c.344C>T (p.Pro115Leu) results in a non-conservative amino acid change located in the Kelch domains (Zhang_2021) of the encoded protein sequence. Five of five in-silico tools predict a damaging effect of the variant on protein function. The variant allele was found at a frequency of 1.6e-05 in 250854 control chromosomes. The available data on variant occurrences in the general population are insufficient to allow any conclusion about variant significance. c.344C>T has been reported in the literature in individuals affected with Schwannomatosis (Steklov_2018) or clinical features of Noonan Syndrome 2 (Di Stolfo_2024). These data do not allow any conclusion about variant significance. To our knowledge, no experimental evidence demonstrating an impact on protein function has been reported. The following publications have been ascertained in the context of this evaluation (PMID: 38135892, 33792302, 30442762, 34113392). ClinVar contains an entry for this variant (Variation ID: 372993). Based on the evidence outlined above, the variant was classified as uncertain significance.

Mayo Clinic Laboratories, Mayo Clinic
Classification: Uncertain significance. Last evaluated: 2024-09-04. Review status: criteria provided, single submitter. Criteria: ACMG Guidelines, 2015. Collection method: clinical testing. Allele origin: germline. Observed: 3 variant alleles.

Baylor Genetics
Classification: Uncertain significance for LZTR1-related schwannomatosis. Last evaluated: 2024-02-02. Review status: criteria provided, single submitter. Criteria: ACMG Guidelines, 2015. Collection method: clinical testing. Allele origin: unknown.

Genome Diagnostics Laboratory, The Hospital for Sick Children
Classification: Uncertain significance for Noonan syndrome and Noonan-related syndrome. Last evaluated: 2020-12-01. Review status: criteria provided, single submitter. Criteria: ACMG Guidelines, 2015. Collection method: clinical testing. Allele origin: germline.

Literature cited by the submitters: PubMed 30442762 (cited by Labcorp Genetics (formerly Invitae), Labcorp and Women's Health and Genetics/Laboratory Corporation of America, LabCorp); PubMed 38135892 (cited by Ambry Genetics and Women's Health and Genetics/Laboratory Corporation of America, LabCorp); PubMed 33792302 (cited by Women's Health and Genetics/Laboratory Corporation of America, LabCorp); PubMed 34113392 (cited by Women's Health and Genetics/Laboratory Corporation of America, LabCorp).

NM_006767.4(LZTR1):c.344C>T (p.Pro115Leu)

Gene: LZTR1 (leucine zipper like post translational regulator 1; plus strand). Cytogenetic location: 22q11.21.
Variant type: single nucleotide variant.
Coding change: c.344C>T on transcript NM_006767.4 (MANE Select); coding-DNA position 344, C replaced by T.
Protein change: p.Pro115Leu; replaces proline 115 with leucine.
Molecular consequence: missense variant.
Genome position (GRCh38, 1-based): chr22:20,987,527, C>T. VCF-style: chr22-20987527-C-T. GRCh37 (hg19) VCF-style: chr22-21341816-C-T.
Other names: p.Pro115Leu; short protein forms P115L.
Identifiers: ClinVar variation 372993 (VCV000372993.25), dbSNP rs756852884, ClinGen allele CA10118381.